The following is an entry in ClinVar:

ClinVar aggregate classification (germline): Likely pathogenic (1 of 4 stars; one submission).

Conditions:
Wilson disease (WND). Also called: Wilson's disease. Identifiers: Orphanet 905, MedGen C0019202, MONDO:0010200, OMIM 277900. Disease mechanism: loss of function.

Submission:

Diagnostics Services (NGS), CSIR - Centre For Cellular And Molecular Biology
Classification: Likely pathogenic for Wilson disease. Last evaluated: 2023-11-26. Review status: criteria provided, single submitter. Criteria: ACMG Guidelines, 2015. Collection method: clinical testing. Allele origin: germline. Affected: yes. Observed: 1 variant allele, 1 homozygote.
Comment: The c.3904-1G>A variant is not present in publicly available population databases like 1000 Genomes, ExAC, gnomAD, EVS, Indian Exome Database and our in-house exome database. This variant has neither been published in literature with ATP7B-related conditions nor reported to the clinical databases like ClinVar, Human Genome Mutation Database (HGMD) or OMIM, in any affected individuals. In-silico pathogenicity prediction programs like Human Splicing Finder (HSF3.1), MutationTaster2, CADD, Varsome, Franklin etc predicted this variant to be likely deleterious by affecting splicing of mRNA that may cause exon skipping however these predictions were not confirmed by published functional/translational studies.

NM_000053.4(ATP7B):c.3904-1G>A

Gene: ATP7B (ATPase copper transporting beta; minus strand). Cytogenetic location: 13q14.3.
Variant type: single nucleotide variant.
Coding change: c.3904-1G>A on transcript NM_000053.4 (MANE Select); the canonical splice acceptor site of the intron before coding-DNA position 3904, G replaced by A.
Molecular consequence: splice acceptor variant.
Genome position (GRCh38, 1-based): chr13:51,937,394, C>T on the plus strand (G>A on the coding strand, the complement: ATP7B is on the minus strand). VCF-style: chr13-51937394-C-T. GRCh37 (hg19) VCF-style: chr13-52511530-C-T.
Other names: c.3418-1G>A (NM_001406542.1, NM_001406541.1); c.3457-1G>A (NM_001406540.1); c.3652-1G>A (NM_001330579.2, NM_001406531.1, NM_001406532.1); c.3616-1G>A (NM_001406534.1); c.3526-1G>A (NM_001406538.1); c.3670-1G>A (NM_001330578.2, NM_001406527.1, NM_001406528.1); c.3760-1G>A (NM_001406520.1, NM_001406521.1, NM_001406522.1); c.3574-1G>A (NM_001406535.1, NM_001406536.1); and 21 more.
Identifiers: ClinVar variation 2664160 (VCV002664160.1), dbSNP rs773601432, ClinGen allele CA388021301.
Genomic context (GRCh38, chr13:51,937,394, plus strand): 5'-TATCCTTCGGACAGTCCTCTTGGAAAGGTGAATGCTAGCCACCACATCCAGCAAATCATT[C>T]TGATGGAGAGGAGCACACAGTGAGGAAGGGGTCTGCCCATTGCCCTCCCAGCACCCACAG-3'